The following is an entry in ClinVar:

NM_004187.5(KDM5C):c.2167G>A (p.Asp723Asn)

Gene: KDM5C (lysine demethylase 5C; minus strand). Cytogenetic location: Xp11.22.
Variant type: single nucleotide variant.
Coding change: c.2167G>A on transcript NM_004187.5 (MANE Select); coding-DNA position 2167, G replaced by A.
Protein change: p.Asp723Asn; replaces aspartic acid 723 with asparagine.
Molecular consequence: missense variant. On other transcripts: non-coding transcript variant (3).
Genome position (GRCh38, 1-based): chrX:53,199,053, C>T on the plus strand (G>A on the coding strand, the complement: KDM5C is on the minus strand). VCF-style: chrX-53199053-C-T. GRCh37 (hg19) VCF-style: chrX-53228235-C-T.
Other names: c.1966G>A, p.Asp656Asn (NM_001146702.2); c.2164G>A, p.Asp722Asn (NM_001282622.3, NM_001353979.2, NM_001353982.2); c.2167G>A, p.Asp723Asn (NM_001353978.3, NM_001353981.2, NM_001353984.2); short protein forms D656N, D722N, D723N.
Identifiers: ClinVar variation 1654598 (VCV001654598.12), dbSNP rs781895754, ClinGen allele CA10419442.
Genomic context (GRCh38, chrX:53,199,053, plus strand): 5'-TACTGGAGCACTTGCAGAGATCATTGATGTGGGAAAGGCAGACAAGGCCGTCTGGGCAGT[C>T]GTAGCAGGCCAGGGCTGACAGGAAACACGTAGTCTTGCACTTGATACACTGGCGCTCATC-3'
Protein context (NP_004178.2, residues 713-733): TCFLSALACY[Asp723Asn]CPDGLVCLSH

ClinVar aggregate classification (germline): Likely benign. Review status: criteria provided, multiple submitters, no conflicts (2 of 4 stars). 2 submissions from 2 submitters: Likely benign (2). Last evaluated 2026-07-01.

Conditions:
Spastic paraplegia. Identifiers: MedGen C0037772, HP:0001258.

Allele frequency attached by ClinVar (database versions not stated): gnomAD 0.00001; gnomAD exomes 0.00002 and 0.00003; TOPMed 0.00003; ExAC 0.00005.
gnomAD v4.1: 21 of 1,210,594 alleles (0.0017%); highest among the groups gnomAD compares: Admixed American, 0.0065%; no homozygotes.

Submissions (2):

CeGaT Center for Human Genetics Tuebingen
Classification: Likely benign. Last evaluated: 2026-07-01. Review status: criteria provided, single submitter. Criteria: CeGaT Center For Human Genetics Tuebingen Variant Classification Criteria Version 2. Collection method: clinical testing. Allele origin: germline. Affected: yes. Observed: 2 variant alleles.
Comment: KDM5C: BS2

Labcorp Genetics (formerly Invitae), Labcorp
Classification: Likely benign for Spastic paraplegia. Last evaluated: 2025-06-23. Review status: criteria provided, single submitter. Criteria: Invitae Variant Classification Sherloc (09022015). Collection method: clinical testing. Allele origin: germline.